The following is an entry in ClinVar:

ClinVar aggregate classification (germline): Uncertain significance (1 of 4 stars; one submission).

Conditions:
Hereditary pancreatitis (PCTT). Also called: Hereditary chronic pancreatitis; PRSS1-Related Hereditary Pancreatitis. Identifiers: Orphanet 676, MedGen C0238339, MONDO:0008185, OMIM 167800.

gnomAD v4.1: 1 of 1,614,106 alleles (0.000062%); highest among the groups gnomAD compares: African/African-American, 0.0013%; no homozygotes.

Submission:

Ambry Genetics
Classification: Uncertain significance for Hereditary pancreatitis. Last evaluated: 2025-03-28. Review status: criteria provided, single submitter. Criteria: Ambry Variant Classification Scheme 2023. Collection method: clinical testing. Allele origin: germline.
Comment: The p.C186S variant (also known as c.557G>C), located in coding exon 6 of the CTRC gene, results from a G to C substitution at nucleotide position 557. The cysteine at codon 186 is replaced by serine, an amino acid with dissimilar properties. This amino acid position is conserved. In addition, this alteration is predicted to be deleterious by in silico analysis. Based on the available evidence, the clinical significance of this variant remains unclear.

NM_007272.3(CTRC):c.557G>C (p.Cys186Ser)

Gene: CTRC (chymotrypsin C; plus strand). Cytogenetic location: 1p36.21.
Variant type: single nucleotide variant.
Coding change: c.557G>C on transcript NM_007272.3 (MANE Select); coding-DNA position 557, G replaced by C.
Protein change: p.Cys186Ser; replaces cysteine 186 with serine.
Molecular consequence: missense variant.
Genome position (GRCh38, 1-based): chr1:15,444,669, G>C. VCF-style: chr1-15444669-G-C. GRCh37 (hg19) VCF-style: chr1-15771164-G-C.
Other names: short protein forms C186S.
Identifiers: ClinVar variation 4008114 (VCV004008114.1).
Genomic context (GRCh38, chr1:15,444,669, plus strand): 5'-ACGGCCCCATTGCTGATAAGCTGCAGCAGGGCCTGCAGCCCGTGGTGGATCACGCCACGT[G>C]CTCCAGGATTGACTGGTGGGGCTTCAGGGTGAAGAAAACCATGGTGTGCGCTGGGGGCGA-3'
Protein context (NP_009203.2, residues 176-196): GLQPVVDHAT[Cys186Ser]SRIDWWGFRV